The following is an entry in ClinVar:

NM_000203.5(IDUA):c.784del (p.His262fs)

Gene: IDUA (alpha-L-iduronidase; plus strand). Cytogenetic location: 4p16.3.
Variant type: Deletion.
Coding change: c.784del on transcript NM_000203.5 (MANE Select); coding-DNA position 784, one base deleted (C; older notation c.784delC).
Protein change: p.His262fs; shifts the reading frame from histidine 262.
Molecular consequence: frameshift variant. On other transcripts: non-coding transcript variant (1).
Genome position (GRCh38, 1-based): chr4:1,001,873, C deleted; the last of 2 consecutive C bases (chr4:1,001,872-1,001,873); deleting either gives the same sequence. VCF-style (leftmost placement, unchanged base first): chr4-1001871-TC-T. GRCh37 (hg19) VCF-style: chr4-995659-TC-T.
Other names: p.His262ThrfsTer5; c.388del, p.His130fs (NM_001363576.1); c.784delC (NM_000203.4); short protein forms H262fs, H130fs.
Identifiers: ClinVar variation 956890 (VCV000956890.23), dbSNP rs757928590, ClinGen allele CA2802083.

ClinVar aggregate classification (germline): Pathogenic. Review status: criteria provided, multiple submitters, no conflicts (2 of 4 stars). 6 submissions from 6 submitters: Pathogenic (6). Last evaluated 2024-09-09.

Conditions:
Mucopolysaccharidosis type 1. Also called: Mucopolysaccharidosis Type I; IDUA deficiency; MPS I. Identifiers: Orphanet 579, MedGen C0023786, MONDO:0001586.
Hurler syndrome. Also called: Gargoylism, Hurler Syndrome; MUCOPOLYSACCHARIDOSIS TYPE IH; Severe MPS I (Hurler Syndrome). Identifiers: Orphanet 93473, MedGen C0086795, MONDO:0011758, OMIM 607014.
Mucopolysaccharidosis, MPS-I-S. Also called: Scheie Syndrome; MUCOPOLYSACCHARIDOSIS TYPE IS; MPS V; MUCOPOLYSACCHARIDOSIS TYPE V. Identifiers: Orphanet 93474, MedGen C0026708, MONDO:0011760, OMIM 607016.
Mucopolysaccharidosis, MPS-I-H/S. Also called: Mucopolysaccharidosis type IH/S. Identifiers: Orphanet 93476, MedGen C0086431, MONDO:0011759, OMIM 607015.

Submissions (6):

Natera, Inc.
Classification: Pathogenic for Mucopolysaccharidosis type I. Last evaluated: 2024-09-09. Review status: criteria provided, single submitter. Criteria: Natera Variant Classification Schema (03/2026). Collection method: clinical testing. Allele origin: germline.
Comment: The c.784delC variant in IDUA is a frameshift variant predicted to shift the reading frame beginning at codon 262 and leads to a stop codon 55 codons downstream. This variant is expected to result in nonsense mediated decay, truncation, or a dysfunctional protein product. This variant is rare in the general population with a frequency below the threshold expected for the associated phenotype(s). This variant has been observed in one or more individuals affected with the associated recessive disease, as either homozygous or compound heterozygous with a second variant (PMID: 33301762). Given the available evidence, this variant is classified as Pathogenic.

Labcorp Genetics (formerly Invitae), Labcorp
Classification: Pathogenic for Mucopolysaccharidosis type 1. Last evaluated: 2023-10-06. Review status: criteria provided, single submitter. Criteria: Invitae Variant Classification Sherloc (09022015). Collection method: clinical testing. Allele origin: germline.
Comment: This sequence change creates a premature translational stop signal (p.His262Thrfs*55) in the IDUA gene. It is expected to result in an absent or disrupted protein product. Loss-of-function variants in IDUA are known to be pathogenic (PMID: 11735025, 21480867). This variant is present in population databases (rs757928590, gnomAD 0.01%). This premature translational stop signal has been observed in individual(s) with mucopolysaccharidosis type I (PMID: 27146977). ClinVar contains an entry for this variant (Variation ID: 956890). Algorithms developed to predict the effect of sequence changes on RNA splicing suggest that this variant may disrupt the consensus splice site. For these reasons, this variant has been classified as Pathogenic.

Revvity Omics, Revvity
Classification: Pathogenic. Last evaluated: 2022-07-12. Review status: criteria provided, single submitter. Criteria: ACMG Guidelines, 2015. Collection method: clinical testing. Allele origin: germline.

Fulgent Genetics
Classification: Pathogenic for Hurler syndrome; Mucopolysaccharidosis, MPS-I-H/S; Mucopolysaccharidosis, MPS-I-S. Last evaluated: 2022-05-05. Review status: criteria provided, single submitter. Criteria: ACMG Guidelines, 2015. Collection method: clinical testing. Allele origin: unknown.

Foundation for Research in Genetics and Endocrinology, FRIGE's Institute of Human Genetics
Classification: Pathogenic for Hurler syndrome. Last evaluated: 2021-09-20. Review status: criteria provided, single submitter. Criteria: ACMG Guidelines, 2015. Collection method: clinical testing. Allele origin: germline. Inheritance: Autosomal recessive inheritance. Affected: yes. Observed: 1 homozygote.
Comment: A homozygous frameshift variation in exon 6 of the IDUA gene that results in a frameshift and premature truncation of the protein 5 amino acids downstream of Histidine to codan 262 was detected. The observed variant c.784del(p.His262ThrfsTer5) has not been reported in the 1000 genomes and has a minor allele frequency of 0.0015% in the gnomAD databases. The in silico prediction of the variant is disease causing by MutationTaster2. The reference codon is conserved across species. In summary, the variant meets our criteria to be classified as a pathogenic variant.

Neuberg Centre For Genomic Medicine, NCGM
Classification: Pathogenic for Hurler syndrome. Review status: criteria provided, single submitter. Criteria: ACMG Guidelines, 2015. Collection method: clinical testing. Allele origin: germline. Inheritance: Autosomal recessive inheritance. Affected: yes.
Comment: The observed frameshift variantc.784del(p.His262ThrfsTer55) in the IDUA gene has been reported previously in homozygous state in multiple individuals with Hurler syndrome (Uttarilli A, et al., 2016; Zahoor MY, et al., 2019). This variant is reported with the allele frequency 0.002% in the gnomAD Exomes. This variant causes a frameshift starting with codon Histidine 262, changes this amino acid to Threonine residue, and creates a premature Stop codon at position 55 of the new reading frame, denoted p.His262ThrfsTer55. It is submitted to ClinVar as Pathogenic by multiple submitters. This variant is predicted to cause loss of normal protein function through protein truncation. Loss of function variants have been previously reported to be disease causing. For these reasons, this variant has been classified as Pathogenic.

Literature cited by the submitters: PubMed 33301762 (cited by Natera, Inc.); PubMed 11735025 (cited by Labcorp Genetics (formerly Invitae), Labcorp); PubMed 21480867 (cited by Labcorp Genetics (formerly Invitae), Labcorp); PubMed 27146977 (cited by Labcorp Genetics (formerly Invitae), Labcorp).